The following is an entry in ClinVar:

NM_017433.5(MYO3A):c.4133G>A (p.Arg1378Lys)

Gene: MYO3A (myosin IIIA; plus strand). Cytogenetic location: 10p12.1.
Variant type: single nucleotide variant.
Coding change: c.4133G>A on transcript NM_017433.5 (MANE Select); coding-DNA position 4133, G replaced by A.
Protein change: p.Arg1378Lys; replaces arginine 1378 with lysine.
Molecular consequence: missense variant.
Genome position (GRCh38, 1-based): chr10:26,174,397, G>A. VCF-style: chr10-26174397-G-A. GRCh37 (hg19) VCF-style: chr10-26463326-G-A.
Other names: short protein forms R1378K.
Identifiers: ClinVar variation 4690593 (VCV004690593.1).

ClinVar aggregate classification (germline): Uncertain significance (1 of 4 stars; one submission).

gnomAD v4.1: 16 of 1,613,990 alleles (0.00099%); highest among the groups gnomAD compares: Non-Finnish European, 0.001%; no homozygotes.

Submission:

Labcorp Genetics (formerly Invitae), Labcorp
Classification: Uncertain significance. Last evaluated: 2026-01-25. Review status: criteria provided, single submitter. Criteria: Invitae Variant Classification Sherloc (09022015). Collection method: clinical testing. Allele origin: germline.
Comment: This sequence change replaces arginine, which is basic and polar, with lysine, which is basic and polar, at codon 1378 of the MYO3A protein (p.Arg1378Lys). This variant is present in population databases (no rsID available, gnomAD 0.0009%). This variant has not been reported in the literature in individuals affected with MYO3A-related conditions. Invitae Evidence Modeling of protein sequence and biophysical properties (such as structural, functional, and spatial information, amino acid conservation, physicochemical variation, residue mobility, and thermodynamic stability) indicates that this missense variant is not expected to disrupt MYO3A protein function with a negative predictive value of 80%. In summary, the available evidence is currently insufficient to determine the role of this variant in disease. Therefore, it has been classified as a Variant of Uncertain Significance.